The following is an entry in ClinVar:

NM_001022.4(RPS19):c.288dup (p.Lys97fs)

Genes: RPS19 (ribosomal protein S19; plus strand), RPS19-CD79A (RPS19-CD79A readthrough; plus strand). Cytogenetic location: 19q13.2.
Variant type: Duplication.
Coding change: c.288dup on transcript NM_001022.4 (MANE Select); coding-DNA position 288, one base duplicated (C; older notation c.288dupC).
Protein change: p.Lys97fs; shifts the reading frame from lysine 97.
Molecular consequence: frameshift variant.
Genome position (GRCh38, 1-based): chr19:41,869,146, C duplicated; the last of 2 consecutive C bases (chr19:41,869,145-41,869,146); duplicating either gives the same sequence. VCF-style (leftmost placement, unchanged base first): chr19-41869144-T-TC. GRCh37 (hg19) VCF-style: chr19-42373214-T-TC.
Other names: c.288dup, p.Lys97fs (NM_001321483.2, NM_001321484.2); c.301dup, p.Gln101fs (NM_001321485.2); short protein forms Q101fs, K97fs.
Identifiers: ClinVar variation 1797274 (VCV001797274.2), dbSNP rs2513683230, ClinGen allele CA2580097298.

ClinVar aggregate classification (germline): Pathogenic (1 of 4 stars; one submission).

Conditions:
Diamond-Blackfan anemia. Also called: Blackfan Diamond syndrome; Aregenerative anemia chronic congenital; Red cell aplasia, pure hereditary; Congenital hypoplastic anemia; Aase syndrome. Identifiers: Orphanet 124, MedGen C1260899, MeSH D029503, MONDO:0015253, HP:0004810.

Submission:

Ambry Genetics
Classification: Pathogenic for Diamond-Blackfan anemia. Last evaluated: 2017-07-31. Review status: criteria provided, single submitter. Criteria: Ambry Variant Classification Scheme 2023. Collection method: clinical testing. Allele origin: germline.
Comment: The c.288dupC pathogenic mutation, located in coding exon 3 of the RPS19 gene, results from a duplication of C at nucleotide position 288, causing a translational frameshift with a predicted alternate stop codon (p.K97Qfs*57). Frameshifts are typically deleterious in nature; this alteration also impacts the structure of at least one-third of the ribosomal S19e domain. As such, c.288dupC is interpreted as a disease-causing mutation.

Literature cited by the submitters: PubMed 25042156.